The following is an entry in ClinVar:

NM_001330288.2(SMARCC2):c.306T>A (p.Ser102Arg)

Gene: SMARCC2 (SWI/SNF related BAF chromatin remodeling complex subunit C2; minus strand). Cytogenetic location: 12q13.2.
Variant type: single nucleotide variant.
Coding change: c.306T>A on transcript NM_001330288.2 (MANE Select); coding-DNA position 306, T replaced by A.
Protein change: p.Ser102Arg; replaces serine 102 with arginine.
Molecular consequence: missense variant.
Genome position (GRCh38, 1-based): chr12:56,186,166, A>T on the plus strand (T>A on the coding strand, the complement: SMARCC2 is on the minus strand). VCF-style: chr12-56186166-A-T. GRCh37 (hg19) VCF-style: chr12-56579950-A-T.
Other names: c.306T>A, p.Ser102Arg (NM_001130420.3, NM_003075.5, NM_139067.4); short protein forms S102R.
Identifiers: ClinVar variation 3770069 (VCV003770069.1).
Genomic context (GRCh38, chr12:56,186,166, plus strand): 5'-GGGATTTCCTCTAAACTAAATATAAGAAGAATAGAGAGAATCATCTCACCATCCCTGGTC[A>T]CTCTTGAATTTGTAGGCAGCTGCAAGAATGTGGCACAAGGAGCCTCCCGCTTTGAAATCT-3'
Protein context (NP_001317217.1, residues 92-112): HILAAAYKFK[Ser102Arg]DQGWRRYDFQ

ClinVar aggregate classification (germline): Uncertain significance (1 of 4 stars; one submission).

Submission:

GeneDx
Classification: Uncertain significance. Last evaluated: 2024-09-11. Review status: criteria provided, single submitter. Criteria: GeneDx Variant Classification Process June 2021. Collection method: clinical testing. Allele origin: germline. Affected: yes.
Comment: Not observed at significant frequency in large population cohorts (gnomAD); In silico analysis supports that this missense variant has a deleterious effect on protein structure/function; Has not been previously published as pathogenic or benign to our knowledge